The following is an entry in ClinVar:

ClinVar aggregate classification (germline): Uncertain significance (1 of 4 stars; one submission).

Conditions:
Cardiomyopathy (CMYO). Also called: Cardiomyopathies. Identifiers: Orphanet 167848, MedGen C0878544, MONDO:0004994, HP:0001638. Inheritance: Various modes of inheritance.

Submission:

Color Diagnostics, LLC DBA Color Health
Classification: Uncertain significance for Cardiomyopathy. Last evaluated: 2019-10-07. Review status: criteria provided, single submitter. Criteria: ACMG Guidelines, 2015. Collection method: clinical testing. Allele origin: germline.
Comment: This variant causes a T>A nucleotide substitution at the -13 position of intron 2 of the ACTC1 gene. Splice site prediction tools are inconclusive regarding the impact of this variant on RNA splicing. To our knowledge, functional studies have not been performed for this variant. This variant has not been reported in individuals affected with cardiovascular disorders in the literature. This variant has not been identified in the general population by the Genome Aggregation Database (gnomAD). The available evidence is insufficient to determine the role of this variant in disease conclusively. Therefore, this variant is classified as a Variant of Uncertain Significance.

NM_005159.5(ACTC1):c.130-13T>A

Genes: ACTC1 (actin alpha cardiac muscle 1; minus strand), GJD2-DT (GJD2 divergent transcript; plus strand). Cytogenetic location: 15q14.
Variant type: single nucleotide variant.
Coding change: c.130-13T>A on transcript NM_005159.5 (MANE Select); 13 bases into the intron before coding-DNA position 130, T replaced by A.
Molecular consequence: intron variant.
Genome position (GRCh38, 1-based): chr15:34,793,582, A>T on the plus strand (T>A on the coding strand, the complement: ACTC1 is on the minus strand). VCF-style: chr15-34793582-A-T. GRCh37 (hg19) VCF-style: chr15-35085783-A-T.
Identifiers: ClinVar variation 928079 (VCV000928079.3), dbSNP rs1891753477, ClinGen allele CA1139663830.